The following is an entry in ClinVar:

ClinVar aggregate classification (germline): Uncertain significance (1 of 4 stars; one submission).

Conditions:
Hereditary cancer-predisposing syndrome. Also called: Tumor predisposition; Neoplastic Syndromes, Hereditary; Hereditary Cancer Syndrome; Hereditary neoplastic syndrome. Identifiers: Orphanet 140162, MedGen C0027672, MeSH D009386, MONDO:0015356.

Submission:

Ambry Genetics
Classification: Uncertain significance for Hereditary cancer-predisposing syndrome. Last evaluated: 2024-12-28. Review status: criteria provided, single submitter. Criteria: Ambry Variant Classification Scheme 2023. Collection method: clinical testing. Allele origin: germline.
Comment: The c.4002-1_4023dup23 variant results from a duplication of 23 nucleotides between positions c.4002-1 to c.4023 and involves the canonical splice acceptor site before coding exon 10 of the MSH6 gene. This variant occurs at the 3' terminus of the MSH6 gene, is not expected to trigger nonsense-mediated mRNA decay, and is predicted to impact only a little over 1% of the protein. The exact functional effect of this variant is unknown. These nucleotide positions are well conserved in available vertebrate species. In silico splice site analysis predicts that this alteration will not have any significant effect on the native splice acceptor site, but is inconclusive for the creation or strengthening of a novel splice acceptor site and direct evidence is insufficient at this time (Ambry internal data). Based on the available evidence, the clinical significance of this variant remains unclear.

NM_000179.3(MSH6):c.4002-1_4023dup

Gene: MSH6 (mutS homolog 6; plus strand). Cytogenetic location: 2p16.3.
Variant type: Duplication.
Coding change: c.4002-1_4023dup on transcript NM_000179.3 (MANE Select); the canonical splice acceptor site of the intron before coding-DNA position 4002 through coding-DNA position 4023, 23 bases duplicated (GGGAAGTTTGCCTGGCTAGTGAA).
Molecular consequence: splice acceptor variant.
Genome position (GRCh38, 1-based): chr2:47,806,778-47,806,800, GGGAAGTTTGCCTGGCTAGTGAA duplicated; duplicating any 23 consecutive bases within chr2:47,806,776-47,806,800 gives the same sequence; the c. name uses the placement nearest the transcript's 3' end. VCF-style (leftmost placement, unchanged base first): chr2-47806775-T-TAAGGGAAGTTTGCCTGGCTAGTG. GRCh37 (hg19) VCF-style: chr2-48033914-T-TAAGGGAAGTTTGCCTGGCTAGTG.
Other names: c.4002-1_4023dup (NM_001406809.1, NM_001406796.1); c.3096-1_3117dup (NM_001406811.1, NM_001406814.1, NM_001281493.2 and 6 more transcripts); c.3705-1_3726dup (NM_001406805.1, NM_001406797.1, NM_001406818.1 and 8 more transcripts); c.4098-1_4119dup (NM_001406795.1); c.3898-1_*4dup (NM_001406802.1); c.4008-1_4029dup (NM_001406813.1); c.3477-1_3498dup (NM_001406807.1, NM_001406799.1, NM_001406806.1); c.4002-6_*4dup (NM_001406808.1); and 11 more.
Identifiers: ClinVar variation 3875052 (VCV003875052.1).